The following is an entry in ClinVar:

ClinVar aggregate classification (germline): Uncertain significance (1 of 4 stars; one submission).

Allele frequency attached by ClinVar (database versions not stated): gnomAD 0.00002; TOPMed 0.00002; gnomAD exomes 0.00006.
gnomAD v4.1: 90 of 1,613,104 alleles (0.0056%); highest among the groups gnomAD compares: Non-Finnish European, 0.0075%; no homozygotes.

Submission:

CeGaT Center for Human Genetics Tuebingen
Classification: Uncertain significance. Last evaluated: 2024-02-01. Review status: criteria provided, single submitter. Criteria: CeGaT Center For Human Genetics Tuebingen Variant Classification Criteria Version 2. Collection method: clinical testing. Allele origin: germline. Affected: yes. Observed: 1 variant allele.
Comment: XRCC1: PM2

NM_006297.3(XRCC1):c.254A>G (p.Glu85Gly)

Gene: XRCC1 (X-ray repair cross complementing 1; minus strand). Cytogenetic location: 19q13.31.
Variant type: single nucleotide variant.
Coding change: c.254A>G on transcript NM_006297.3 (MANE Select); coding-DNA position 254, A replaced by G.
Protein change: p.Glu85Gly; replaces glutamic acid 85 with glycine.
Molecular consequence: missense variant.
Genome position (GRCh38, 1-based): chr19:43,560,911, T>C on the plus strand (A>G on the coding strand, the complement: XRCC1 is on the minus strand). VCF-style: chr19-43560911-T-C. GRCh37 (hg19) VCF-style: chr19-44065063-T-C.
Other names: short protein forms E85G.
Identifiers: ClinVar variation 3026131 (VCV003026131.22), dbSNP rs915337645, ClinGen allele CA308782110.
Genomic context (GRCh38, chr19:43,560,911, plus strand): 5'-GGTGATGCGAGCATGAGGGGCAGAGGTCAGTATGGGATCCATCTCATAGCCCTGCTTACC[T>C]CATAGTCTTGCTCCCCAGCGCCTCCAGCTGAACTGCCCACCAGCACCTCCACGAAAGCTG-3'
Protein context (NP_006288.2, residues 75-95): SAGGAGEQDY[Glu85Gly]VLLVTSSFMS